The following is an entry in ClinVar:

NM_002432.3(MNDA):c.1135C>G (p.Arg379Gly)

Gene: MNDA (myeloid cell nuclear differentiation antigen; plus strand). Cytogenetic location: 1q23.1.
Variant type: single nucleotide variant.
Coding change: c.1135C>G on transcript NM_002432.3 (MANE Select); coding-DNA position 1135, C replaced by G.
Protein change: p.Arg379Gly; replaces arginine 379 with glycine.
Molecular consequence: missense variant.
Genome position (GRCh38, 1-based): chr1:158,847,875, C>G. VCF-style: chr1-158847875-C-G. GRCh37 (hg19) VCF-style: chr1-158817665-C-G.
Other names: short protein forms R379G.
Identifiers: ClinVar variation 2621624 (VCV002621624.2), dbSNP rs139902913, ClinGen allele CA343044805.

ClinVar aggregate classification (germline): Uncertain significance (1 of 4 stars; one submission).

Submission:

Ambry Genetics
Classification: Uncertain significance. Last evaluated: 2023-08-30. Review status: criteria provided, single submitter. Criteria: Ambry Variant Classification Scheme 2023. Collection method: clinical testing. Allele origin: germline.
Comment: The p.R379G variant (also known as c.1135C>G), located in coding exon 5 of the MNDA gene, results from a C to G substitution at nucleotide position 1135. The arginine at codon 379 is replaced by glycine, an amino acid with dissimilar properties. This amino acid position is conserved. In addition, this alteration is predicted to be tolerated by in silico analysis. Since supporting evidence is limited at this time, the clinical significance of this alteration remains unclear.